The following is an entry in ClinVar:

ClinVar aggregate classification (germline): Pathogenic. Review status: criteria provided, multiple submitters, no conflicts (2 of 4 stars). 7 submissions from 7 submitters: Pathogenic (4). 3 of the submissions do not count toward it. Last evaluated 2025-09-24.

Conditions:
Plasma factor XI deficiency.
Hereditary factor XI deficiency disease. Also called: Congenital factor XI deficiency; PLASMA THROMBOPLASTIN ANTECEDENT DEFICIENCY; PTA DEFICIENCY; ROSENTHAL SYNDROME. Identifiers: Orphanet 329, MedGen C0015523, MeSH D005173, MONDO:0012897, OMIM 612416.

Allele frequency attached by ClinVar (database versions not stated): gnomAD exomes 0.00001; TOPMed 0.00003; ExAC 0.00002; gnomAD 0.00003; ESP Exome Variant Server 0.00008.
gnomAD v4.1: 11 of 1,611,854 alleles (0.00068%); highest among the groups gnomAD compares: Non-Finnish European, 0.000085%; no homozygotes.

Submissions (8):

Labcorp Genetics (formerly Invitae), Labcorp
Classification: Pathogenic. Last evaluated: 2025-09-24. Review status: criteria provided, single submitter. Criteria: Invitae Variant Classification Sherloc (09022015). Collection method: clinical testing. Allele origin: germline.
Comment: This sequence change affects a donor splice site in intron 14 of the F11 gene. While this variant is not anticipated to result in nonsense mediated decay, it likely alters RNA splicing and results in a disrupted protein product. This variant is present in population databases (rs373297713, gnomAD 0.04%). Disruption of this splice site has been observed in individual(s) with Factor XI deficiency (PMID: 2813350, 16835901, 23332144). In at least one individual the data is consistent with being in trans (on the opposite chromosome) from a pathogenic variant. It has also been observed to segregate with disease in related individuals. ClinVar contains an entry for this variant (Variation ID: 11890). Variants that disrupt the consensus splice site are a relatively common cause of aberrant splicing (PMID: 17576681, 9536098). Algorithms developed to predict the effect of sequence changes on RNA splicing suggest that this variant may disrupt the consensus splice site. This variant disrupts a region of the F11 protein in which other variant(s) (p.Thr593Met) have been observed in individuals with F11-related conditions (PMID: 15749683, 27067486). This suggests that this is a clinically significant region of the protein, and that variants that disrupt it are likely to be disease-causing. For these reasons, this variant has been classified as Pathogenic.

Natera, Inc.
Classification: Pathogenic for Plasma factor XI deficiency. Last evaluated: 2024-12-18. Review status: criteria provided, single submitter. Criteria: Natera Variant Classification Schema (03/2026). Collection method: clinical testing. Allele origin: germline.
Comment: The c.1716+1G>A variant in F11 is a canonical splice donor site variant predicted to affect pre-mRNA splicing, which may result in an abnormal transcript and altered protein product. This variant is expected to result in nonsense mediated decay, truncation, or a dysfunctional protein product. This variant is rare in the general population with a frequency below the threshold expected for the associated phenotype(s). This variant has been observed in one or more individuals affected with the associated recessive disease, as either homozygous or compound heterozygous with a second variant (PMID: 23332144). Given the available evidence, this variant is classified as Pathogenic.

Revvity Omics, Revvity
Classification: Pathogenic for Hereditary factor XI deficiency disease. Last evaluated: 2021-01-22. Review status: criteria provided, single submitter. Criteria: ACMG Guidelines, 2015. Collection method: clinical testing. Allele origin: germline.

Illumina Laboratory Services, Illumina
Classification: Pathogenic for Hereditary factor XI deficiency disease. Last evaluated: 2018-10-31. Review status: criteria provided, single submitter. Criteria: ICSL Variant Classification Criteria 09 May 2019. Collection method: clinical testing. Allele origin: germline.
Comment: The F11 c.1716+1G>A variant occurs in a canonical splice site (donor) and is therefore predicted to disrupt or distort the normal gene product. The c.1716+1G>A variant has been described as a founder mutation in the Ashkenazi Jewish population (Peretz et al. 2013). The c.1716+1G>A variant has been reported in three studies and was found in a total of 30 probands from 14 families of Ashkenazi Jewish descent and one family of unknown ethnicity with factor XI deficiency, including in one in a homozygous state, in 12 in a compound heterozygous state, and in 17 in a heterozygous state (Asakai et al. 1989, Mitchell et al. 2006, Peretz et al. 2013). The c.1716+1G>A variant was shown to segregate with the disease in two studies and was absent from 491 healthy Ashkenazi Jewish controls (Asakai et al. 1989, Peretz et al. 2013). The variant is reported at a frequency of 0.000406 in the Ashkenazi Jewish population of the Genome Aggregation Database. Based on the evidence and the potential impact of splice donor variants, the c.1716+1G>A variant is classified as pathogenic for Factor XI deficiency. This variant was observed by ICSL as part of a predisposition screen in an ostensibly healthy population.

Counsyl
Classification: Pathogenic for Hereditary factor XI deficiency disease. Last evaluated: 2015-10-23. Review status: no assertion criteria provided. Collection method: clinical testing. Allele origin: unknown. Not counted in ClinVar's aggregate classification.

OMIM
Classification: Pathogenic for FACTOR XI DEFICIENCY. Last evaluated: 1989-10-01. Review status: no assertion criteria provided. Collection method: literature only. Allele origin: germline. Not counted in ClinVar's aggregate classification.

Dr. Peter K. Rogan Lab, Western University
No classification provided (evidence only). Condition: Clear cell carcinoma of kidney. Review status: no classification provided. Collection method: in vitro. Allele origin: not applicable. Functional consequence: retained intron. Not counted in ClinVar's aggregate classification.

ISTH-SSC Genomics in Thrombosis and Hemostasis, KU Leuven, Center for Molecular and Vascular Biology
Classification: Pathogenic for Hereditary factor XI deficiency disease. Review status: no assertion criteria provided. Collection method: clinical testing. Allele origin: germline. Affected: yes. Not counted in ClinVar's aggregate classification.
Comment: Submitted to GoldVariant by Bilal Jradeh from Katharine Dormandy Haemophilia and Thrombosis Centre, Royal Free Hospital, London, UK

Literature cited by the submitters: PubMed 2813350 (cited by 4 submitters); PubMed 16835901 (cited by 3 submitters); PubMed 23332144 (cited by 4 submitters); PubMed 17576681 (cited by Labcorp Genetics (formerly Invitae), Labcorp); PubMed 9536098 (cited by Labcorp Genetics (formerly Invitae), Labcorp); PubMed 15749683 (cited by Labcorp Genetics (formerly Invitae), Labcorp); PubMed 27067486 (cited by Labcorp Genetics (formerly Invitae), Labcorp).

NM_000128.4(F11):c.1716+1G>A

Genes: F11 (coagulation factor XI; plus strand), F11-AS1 (F11 antisense RNA 1; minus strand). Cytogenetic location: 4q35.2.
Variant type: single nucleotide variant.
Coding change: c.1716+1G>A on transcript NM_000128.4 (MANE Select); the canonical splice donor site of the intron after coding-DNA position 1716, G replaced by A.
Molecular consequence: splice donor variant.
Genome position (GRCh38, 1-based): chr4:186,287,824, G>A. VCF-style: chr4-186287824-G-A. GRCh37 (hg19) VCF-style: chr4-187208978-G-A.
Other names: F11, IVS14DS, G-A, +1; IVS14DS, G-A, +1.
Identifiers: ClinVar variation 11890 (VCV000011890.20), dbSNP rs373297713, ClinGen allele CA212929.